The following is an entry in ClinVar:

ClinVar aggregate classification (germline): Pathogenic (1 of 4 stars; one submission).

Conditions:
ZTTK syndrome (ZTTKS). Also called: ZTTK MULTIPLE CONGENITAL ANOMALIES-MENTAL RETARDATION SYNDROME; Zhu-Tokita-Takenouchi-Kim Syndrome. Identifiers: Orphanet 500150, MedGen C4310696, MONDO:0014936, OMIM 617140.

Submission:

University of Washington Department of Laboratory Medicine, University of Washington
Classification: Pathogenic for ZTTK syndrome. Last evaluated: 2022-07-27. Review status: criteria provided, single submitter. Criteria: ACMG Guidelines, 2015. Collection method: clinical testing. Allele origin: de novo. Affected: yes.
Comment: The variant was absent from large population databases, including the Genome Aggregation Database. The p.Gln448* variant leads to a premature termination codon in exon 3 of 12 exons and is predicted to undergo nonsense-mediated decay resulting in a truncated or absent protein. These predictions have not been tested directly. Heterozygous loss of function leading to haploinsufficiency of the SON gene is an established mechanism of disease. Using ACMG guidelines, this variant was classified as pathogenic for autosomal dominant ZTTK syndrome (ACMG evidence codes used: PVS1, PS2_moderate, PM2_supporting).

NM_138927.4(SON):c.1342C>T (p.Gln448Ter)

Gene: SON (SON DNA and RNA binding protein; plus strand). Cytogenetic location: 21q22.11.
Variant type: single nucleotide variant.
Coding change: c.1342C>T on transcript NM_138927.4 (MANE Select); coding-DNA position 1342, C replaced by T.
Protein change: p.Gln448Ter; replaces glutamine 448 with a stop codon.
Molecular consequence: nonsense. On other transcripts: non-coding transcript variant (1), intron variant (1).
Genome position (GRCh38, 1-based): chr21:33,550,573, C>T. VCF-style: chr21-33550573-C-T. GRCh37 (hg19) VCF-style: chr21-34922879-C-T.
Other names: c.1342C>T (NM_138927.2); c.1342C>T, p.Gln448Ter (NM_001291411.2, NM_032195.3); c.244+4194C>T (NM_001291412.3); short protein forms Q448*.
Identifiers: ClinVar variation 3777180 (VCV003777180.1).
Genomic context (GRCh38, chr21:33,550,573, plus strand): 5'-CCAGGGCCCCCTGCGACAGCAGTGCCTGAGTTGCCAGGGCCCTCTGTGACACCAGTGCCA[C>T]AGTTGTCGCAGGAATTGCCAGGGCTTCCAGCACCATCCATGGGGTTGGAGCCACCACAGG-3'